The following is an entry in ClinVar:

ClinVar aggregate classification (germline): Uncertain significance (1 of 4 stars; one submission).

Submission:

GeneDx
Classification: Uncertain significance. Last evaluated: 2023-05-01. Review status: criteria provided, single submitter. Criteria: GeneDx Variant Classification Process June 2021. Collection method: clinical testing. Allele origin: germline. Affected: yes.
Comment: Not observed at significant frequency in large population cohorts (gnomAD); In silico analysis supports that this missense variant does not alter protein structure/function; Missense variants in this gene are often considered pathogenic (HGMD); This substitution is predicted to be within the C-terminal cytoplasmic domain.; Has not been previously published as pathogenic or benign to our knowledge

NM_172107.4(KCNQ2):c.1252G>C (p.Gly418Arg)

Gene: KCNQ2 (potassium voltage-gated channel subfamily Q member 2; minus strand). Cytogenetic location: 20q13.33.
Variant type: single nucleotide variant.
Coding change: c.1252G>C on transcript NM_172107.4 (MANE Select); coding-DNA position 1252, G replaced by C.
Protein change: p.Gly418Arg; replaces glycine 418 with arginine.
Molecular consequence: missense variant. On other transcripts: intron variant (4).
Genome position (GRCh38, 1-based): chr20:63,419,668, C>G on the plus strand (G>C on the coding strand, the complement: KCNQ2 is on the minus strand). VCF-style: chr20-63419668-C-G. GRCh37 (hg19) VCF-style: chr20-62051021-C-G.
Other names: c.1217+4509G>C (NM_004518.6); c.1247+4509G>C (NM_172108.5, NM_172106.3, NM_001382235.1); short protein forms G418R.
Identifiers: ClinVar variation 3343223 (VCV003343223.1).